The following is an entry in ClinVar:

ClinVar aggregate classification (germline): Likely pathogenic (1 of 4 stars; one submission).

Submission:

Athena Diagnostics
Classification: Likely pathogenic. Last evaluated: 2022-05-24. Review status: criteria provided, single submitter. Criteria: Athena Diagnostics Criteria. Collection method: clinical testing. Allele origin: unknown.
Comment: This variant has not been reported in large, multi-ethnic general populations. This variant alters a critical location within the protein, and is expected to severely affect function and cause disease. Greater than 90% of pathogenic variants identified in NOTCH3 involve the gain or loss of a cysteine residue within the epidermal growth factor (EGF)-like repeat domain.

NM_000435.3(NOTCH3):c.3571T>C (p.Cys1191Arg)

Gene: NOTCH3 (notch receptor 3; minus strand). Cytogenetic location: 19p13.12.
Variant type: single nucleotide variant.
Coding change: c.3571T>C on transcript NM_000435.3 (MANE Select); coding-DNA position 3571, T replaced by C.
Protein change: p.Cys1191Arg; replaces cysteine 1191 with arginine.
Molecular consequence: missense variant.
Genome position (GRCh38, 1-based): chr19:15,179,172, A>G on the plus strand (T>C on the coding strand, the complement: NOTCH3 is on the minus strand). VCF-style: chr19-15179172-A-G. GRCh37 (hg19) VCF-style: chr19-15289983-A-G.
Other names: short protein forms C1191R.
Identifiers: ClinVar variation 1807391 (VCV001807391.1), dbSNP rs2145417984, ClinGen allele CA404510873.
Genomic context (GRCh38, chr19:15,179,172, plus strand): 5'-AGCGACACTCATTGATGTCTGCCTCGCAGCGCAAACCAGTGTATCCTGGGGGACAGGTGC[A>G]GCGGAAACCACCCACCAGGTCCACGCAGGTGCCATTGTGTAGGCACCGGGGCCCTGAGTC-3'
Protein context (NP_000426.2, residues 1181-1201): TCVDLVGGFR[Cys1191Arg]TCPPGYTGLR